The following is an entry in ClinVar:

NM_000435.3(NOTCH3):c.1594C>T (p.Arg532Cys)

Gene: NOTCH3 (notch receptor 3; minus strand). Cytogenetic location: 19p13.12.
Variant type: single nucleotide variant.
Coding change: c.1594C>T on transcript NM_000435.3 (MANE Select); coding-DNA position 1594, C replaced by T.
Protein change: p.Arg532Cys; replaces arginine 532 with cysteine.
Molecular consequence: missense variant.
Genome position (GRCh38, 1-based): chr19:15,187,893, G>A on the plus strand (C>T on the coding strand, the complement: NOTCH3 is on the minus strand). VCF-style: chr19-15187893-G-A. GRCh37 (hg19) VCF-style: chr19-15298704-G-A.
Other names: p.Arg532Cys; short protein forms R532C.
Identifiers: ClinVar variation 803540 (VCV000803540.9), dbSNP rs1202763005, ClinGen allele CA404526277.

ClinVar aggregate classification (germline): Pathogenic/Likely pathogenic. Review status: criteria provided, multiple submitters, no conflicts (2 of 4 stars). 4 submissions from 4 submitters: Pathogenic (2); Likely pathogenic (2). Last evaluated 2025-10-01.

Conditions:
Cerebral arteriopathy, autosomal dominant, with subcortical infarcts and leukoencephalopathy, type 1 (CADASIL1). Also called: DEMENTIA, HEREDITARY MULTIINFARCT TYPE; CASIL; Cerebral arteriopathy with subcortical infarcts and leukoencephalopathy 1; CADASIL 1. Identifiers: Orphanet 136, MedGen C4551768, MONDO:0000914, OMIM 125310.

Allele frequency attached by ClinVar (database versions not stated): gnomAD exomes 0.00001.
gnomAD v4.1: 7 of 1,549,054 alleles (0.00045%); highest among the groups gnomAD compares: Admixed American, 0.002%; no homozygotes.

Submissions (4):

CeGaT Center for Human Genetics Tuebingen
Classification: Likely pathogenic. Last evaluated: 2025-10-01. Review status: criteria provided, single submitter. Criteria: CeGaT Center For Human Genetics Tuebingen Variant Classification Criteria Version 2. Collection method: clinical testing. Allele origin: germline. Affected: yes. Observed: 1 variant allele.
Comment: NOTCH3: PM1:Strong, PM2:Supporting, PS4:Supporting

Mayo Clinic Laboratories, Mayo Clinic
Classification: Likely pathogenic. Last evaluated: 2023-11-15. Review status: criteria provided, single submitter. Criteria: ACMG Guidelines, 2015. Collection method: clinical testing. Allele origin: germline. Observed: 1 variant allele.
Comment: PP2, PP4, PM1, PM2

Athena Diagnostics
Classification: Pathogenic. Last evaluated: 2022-07-20. Review status: criteria provided, single submitter. Criteria: Athena Diagnostics Criteria. Collection method: clinical testing. Allele origin: unknown.
Comment: The frequency of this variant in the general population is consistent with pathogenicity. This variant has been identified in at least one individual with CADASIL. This variant alters a critical location within the protein, and is expected to severely affect function and cause disease. Greater than 90% of pathogenic variants identified in NOTCH3 involve the gain or loss of a cysteine residue within the epidermal growth factor (EGF)-like repeat domain.

Mendelics
Classification: Pathogenic for Cerebral arteriopathy, autosomal dominant, with subcortical infarcts and leukoencephalopathy, type 1. Last evaluated: 2019-05-28. Review status: criteria provided, single submitter. Criteria: Mendelics Assertion Criteria 2017. Collection method: clinical testing. Allele origin: unknown.

Literature cited by the submitters: PubMed 18386330 (cited by Mayo Clinic Laboratories, Mayo Clinic and Athena Diagnostics); PubMed 19080749 (cited by Mayo Clinic Laboratories, Mayo Clinic); PubMed 20169447 (cited by Mayo Clinic Laboratories, Mayo Clinic and Athena Diagnostics); PubMed 22664156 (cited by Mayo Clinic Laboratories, Mayo Clinic); PubMed 37873835 (cited by Mayo Clinic Laboratories, Mayo Clinic).